The following is an entry in ClinVar:

NM_133510.4(RAD51B):c.385A>C (p.Thr129Pro)

Gene: RAD51B (RAD51 paralog B; plus strand). Cytogenetic location: 14q24.1.
Variant type: single nucleotide variant.
Coding change: c.385A>C on transcript NM_133510.4 (MANE Select); coding-DNA position 385, A replaced by C.
Protein change: p.Thr129Pro; replaces threonine 129 with proline.
Molecular consequence: missense variant.
Genome position (GRCh38, 1-based): chr14:67,865,072, A>C. VCF-style: chr14-67865072-A-C. GRCh37 (hg19) VCF-style: chr14-68331789-A-C.
Other names: c.385A>C, p.Thr129Pro (NM_001321809.2, NM_001321810.2, NM_001321812.1 and 6 more transcripts); c.271A>C, p.Thr91Pro (NM_001321815.1); c.28A>C, p.Thr10Pro (NM_001321817.2); short protein forms T10P, T129P, T91P.
Identifiers: ClinVar variation 3942294 (VCV003942294.1).

ClinVar aggregate classification (germline): Uncertain significance (1 of 4 stars; one submission).

gnomAD v4.1: 1 of 1,598,318 alleles (0.000063%); highest among the groups gnomAD compares: Non-Finnish European, 0.000085%; no homozygotes.

Submission:

Ambry Genetics
Classification: Uncertain significance. Last evaluated: 2025-04-13. Review status: criteria provided, single submitter. Criteria: Ambry Variant Classification Scheme 2023. Collection method: clinical testing. Allele origin: germline.
Comment: The p.T129P variant (also known as c.385A>C), located in coding exon 4 of the RAD51B gene, results from an A to C substitution at nucleotide position 385. The threonine at codon 129 is replaced by proline, an amino acid with highly similar properties. This amino acid position is conserved. In addition, this alteration is predicted to be tolerated by in silico analysis. Based on the available evidence, the clinical significance of this variant remains unclear.